The following is an entry in ClinVar:

ClinVar aggregate classification (germline): Uncertain significance. Review status: criteria provided, multiple submitters, no conflicts (2 of 4 stars). 2 submissions from 2 submitters: Uncertain significance (2). Last evaluated 2022-11-01.

Conditions:
Inborn genetic diseases. Identifiers: MedGen C0950123, MeSH D030342.

Allele frequency attached by ClinVar (database versions not stated): gnomAD 0.00001 and 0.00002; TOPMed 0.00003; gnomAD exomes 0.00004 and 0.00018; ExAC 0.00009.

Submissions (2):

Labcorp Genetics (formerly Invitae), Labcorp
Classification: Uncertain significance. Last evaluated: 2022-11-01. Review status: criteria provided, single submitter. Criteria: Invitae Variant Classification Sherloc (09022015). Collection method: clinical testing. Allele origin: germline.
Comment: In summary, the available evidence is currently insufficient to determine the role of this variant in disease. Therefore, it has been classified as a Variant of Uncertain Significance. Algorithms developed to predict the effect of missense changes on protein structure and function (SIFT, PolyPhen-2, Align-GVGD) all suggest that this variant is likely to be disruptive. ClinVar contains an entry for this variant (Variation ID: 1363766). This variant has not been reported in the literature in individuals affected with TMTC3-related conditions. This variant is present in population databases (rs780546810, gnomAD 0.1%), including at least one homozygous and/or hemizygous individual. This sequence change replaces leucine, which is neutral and non-polar, with proline, which is neutral and non-polar, at codon 239 of the TMTC3 protein (p.Leu239Pro).

Ambry Genetics
Classification: Uncertain significance for Inborn genetic diseases. Last evaluated: 2022-05-10. Review status: criteria provided, single submitter. Criteria: Ambry Variant Classification Scheme 2023. Collection method: clinical testing. Allele origin: germline.

NM_181783.4(TMTC3):c.716T>C (p.Leu239Pro)

Gene: TMTC3 (transmembrane O-mannosyltransferase targeting cadherins 3; plus strand). Cytogenetic location: 12q21.32.
Variant type: single nucleotide variant.
Coding change: c.716T>C on transcript NM_181783.4 (MANE Select); coding-DNA position 716, T replaced by C.
Protein change: p.Leu239Pro; replaces leucine 239 with proline.
Molecular consequence: missense variant. On other transcripts: non-coding transcript variant (1).
Genome position (GRCh38, 1-based): chr12:88,160,770, T>C. VCF-style: chr12-88160770-T-C. GRCh37 (hg19) VCF-style: chr12-88554547-T-C.
Other names: c.536T>C, p.Leu179Pro (NM_001366574.1); c.497T>C, p.Leu166Pro (NM_001366579.1); c.449T>C, p.Leu150Pro (NM_001366580.1); c.23T>C, p.Leu8Pro (NM_001366583.1); c.716T>C (NM_181783.3); short protein forms L166P, L179P, L8P, L239P, L150P.
Identifiers: ClinVar variation 1363766 (VCV001363766.7), dbSNP rs780546810, ClinGen allele CA6713120.